The following is an entry in ClinVar:

ClinVar aggregate classification (germline): Uncertain significance (1 of 4 stars; one submission).

Conditions:
Dilated cardiomyopathy 1Z (CMD1Z). Identifiers: Orphanet 154, MedGen C2678475, MONDO:0012745, OMIM 611879.
Hypertrophic cardiomyopathy 13. Also called: TNNC1-Related Familial Hypertrophic Cardiomyopathy. Identifiers: MedGen C2750472, MONDO:0013195, OMIM 613243.

Submission:

Labcorp Genetics (formerly Invitae), Labcorp
Classification: Uncertain significance for Hypertrophic cardiomyopathy 13; Dilated cardiomyopathy 1Z. Last evaluated: 2024-04-22. Review status: criteria provided, single submitter. Criteria: Invitae Variant Classification Sherloc (09022015). Collection method: clinical testing. Allele origin: germline.
Comment: This sequence change replaces arginine, which is basic and polar, with tryptophan, which is neutral and slightly polar, at codon 83 of the TNNC1 protein (p.Arg83Trp). This variant is not present in population databases (gnomAD no frequency). This missense change has been observed in individual(s) with dilated cardiomyopathy (PMID: 31983221). ClinVar contains an entry for this variant (Variation ID: 1494563). An algorithm developed to predict the effect of missense changes on protein structure and function (PolyPhen-2) suggests that this variant is likely to be disruptive. In summary, the available evidence is currently insufficient to determine the role of this variant in disease. Therefore, it has been classified as a Variant of Uncertain Significance.

Literature cited by the submitters: PubMed 31983221.

NM_003280.3(TNNC1):c.247C>T (p.Arg83Trp)

Gene: TNNC1 (troponin C1, slow skeletal and cardiac type; minus strand). Cytogenetic location: 3p21.1.
Variant type: single nucleotide variant.
Coding change: c.247C>T on transcript NM_003280.3 (MANE Select); coding-DNA position 247, C replaced by T.
Protein change: p.Arg83Trp; replaces arginine 83 with tryptophan.
Molecular consequence: missense variant.
Genome position (GRCh38, 1-based): chr3:52,451,814, G>A on the plus strand (C>T on the coding strand, the complement: TNNC1 is on the minus strand). VCF-style: chr3-52451814-G-A. GRCh37 (hg19) VCF-style: chr3-52485830-G-A.
Other names: short protein forms R83W.
Identifiers: ClinVar variation 1494563 (VCV001494563.6), dbSNP rs2153229934, ClinGen allele CA353167383.